The following is an entry in ClinVar:

ClinVar aggregate classification (germline): Likely benign. Review status: criteria provided, multiple submitters, no conflicts (2 of 4 stars). 2 submissions from 2 submitters: Likely benign (2). Last evaluated 2025-03-23.

Conditions:
Deficiency of malonyl-CoA decarboxylase. Also called: Malonic aciduria; MCD deficiency. Identifiers: Orphanet 943, MedGen C0342793, MONDO:0009556, OMIM 248360.

gnomAD v4.1: 9 of 1,614,132 alleles (0.00056%); highest among the groups gnomAD compares: Admixed American, 0.0017%; no homozygotes.

Submissions (2):

Labcorp Genetics (formerly Invitae), Labcorp
Classification: Likely benign for Deficiency of malonyl-CoA decarboxylase. Last evaluated: 2025-03-23. Review status: criteria provided, single submitter. Criteria: Invitae Variant Classification Sherloc (09022015). Collection method: clinical testing. Allele origin: germline.

CeGaT Center for Human Genetics Tuebingen
Classification: Likely benign. Last evaluated: 2023-03-01. Review status: criteria provided, single submitter. Criteria: CeGaT Center For Human Genetics Tuebingen Variant Classification Criteria Version 2. Collection method: clinical testing. Allele origin: germline. Affected: yes. Observed: 1 variant allele.
Comment: MLYCD: BP4, BP7

NM_012213.3(MLYCD):c.1062C>G (p.Leu354=)

Gene: MLYCD (malonyl-CoA decarboxylase; plus strand). Cytogenetic location: 16q23.3.
Variant type: single nucleotide variant.
Coding change: c.1062C>G on transcript NM_012213.3 (MANE Select); coding-DNA position 1062, C replaced by G.
Protein change: p.Leu354=; no amino-acid change (leucine 354 retained).
Molecular consequence: synonymous variant.
Genome position (GRCh38, 1-based): chr16:83,915,069, C>G. VCF-style: chr16-83915069-C-G. GRCh37 (hg19) VCF-style: chr16-83948674-C-G.
Identifiers: ClinVar variation 2646903 (VCV002646903.27), dbSNP rs757083879, ClinGen allele CA497001199.